The following is an entry in ClinVar:

ClinVar aggregate classification (germline): Uncertain significance (1 of 4 stars; one submission).

Submission:

GeneDx
Classification: Uncertain significance. Last evaluated: 2025-03-11. Review status: criteria provided, single submitter. Criteria: GeneDx Variant Classification Process June 2021. Collection method: clinical testing. Allele origin: germline. Affected: yes.
Comment: Not observed at significant frequency in large population cohorts (gnomAD); Has not been previously published as pathogenic or benign to our knowledge; Canonical splice site variant in a gene for which loss-of-function is not an established mechanism of disease

NM_007052.5(NOX1):c.898-1G>A

Gene: NOX1 (NADPH oxidase 1; minus strand). Cytogenetic location: Xq22.1.
Variant type: single nucleotide variant.
Coding change: c.898-1G>A on transcript NM_007052.5 (MANE Select); the canonical splice acceptor site of the intron before coding-DNA position 898, G replaced by A.
Molecular consequence: splice acceptor variant.
Genome position (GRCh38, 1-based): chrX:100,850,387, C>T on the plus strand (G>A on the coding strand, the complement: NOX1 is on the minus strand). VCF-style: chrX-100850387-C-T. GRCh37 (hg19) VCF-style: chrX-100105376-C-T.
Other names: c.787-1G>A (NM_001271815.2); c.898-1G>A (NM_013955.3).
Identifiers: ClinVar variation 4083069 (VCV004083069.1).